The following is an entry in ClinVar:

NM_000059.4(BRCA2):c.246del (p.Glu83fs)

Gene: BRCA2 (BRCA2 DNA repair associated; plus strand). Cytogenetic location: 13q13.1.
Variant type: Deletion.
Coding change: c.246del on transcript NM_000059.4 (MANE Select); coding-DNA position 246, one base deleted (A; older notation c.246delA).
Protein change: p.Glu83fs; shifts the reading frame from glutamic acid 83.
Molecular consequence: frameshift variant.
Genome position (GRCh38, 1-based): chr13:32,319,255, A deleted; the last of 3 consecutive A bases (chr13:32,319,253-32,319,255); deleting any one gives the same sequence. VCF-style (leftmost placement, unchanged base first): chr13-32319252-CA-C. GRCh37 (hg19) VCF-style: chr13-32893389-CA-C.
Other names: c.246delA (NM_000059.3); short protein forms E83fs.
Identifiers: ClinVar variation 433746 (VCV000433746.5), dbSNP rs397507630, ClinGen allele CA645372943.

ClinVar aggregate classification (germline): Pathogenic. Review status: reviewed by expert panel (3 of 4 stars). 4 submissions from 4 submitters: Pathogenic (1). 3 of the submissions do not count toward it. Last evaluated 2017-12-15.

Conditions:
Breast-ovarian cancer, familial, susceptibility to, 2 (BROVCA2). Also called: BRCA2 Hereditary Breast and Ovarian Cancer. Identifiers: Orphanet 145, MedGen C2675520, MONDO:0012933, OMIM 612555. Disease mechanism: loss of function.
Malignant tumor of breast. Also called: Malignant breast neoplasm; Cancer breast. Identifiers: MedGen C0006142, MONDO:0007254. Disease mechanism: loss of function.
Hereditary cancer-predisposing syndrome. Also called: Hereditary neoplastic syndrome; Tumor predisposition; Neoplastic Syndromes, Hereditary; Hereditary Cancer Syndrome. Identifiers: Orphanet 140162, MedGen C0027672, MeSH D009386, MONDO:0015356.
Hereditary breast ovarian cancer syndrome. Also called: BRCA1- and BRCA2-Associated Hereditary Breast and Ovarian Cancer; Hereditary breast and/or ovarian cancer syndrome; Hereditary breast and ovarian cancer; Hereditary breast and ovarian cancer syndrome; Hereditary breast and ovarian cancer syndrome (HBOC); Breast and ovarian cancer. Identifiers: Orphanet 145, MedGen C0677776, MeSH D061325, MONDO:0003582. Disease mechanism: loss of function.

Submissions (4):

Evidence-based Network for the Interpretation of Germline Mutant Alleles (ENIGMA)
Classification: Pathogenic for Breast-ovarian cancer, familial, susceptibility to, 2. Last evaluated: 2017-12-15. Review status: reviewed by expert panel. Criteria: ENIGMA BRCA1/2 Classification Criteria (2017-06-29). Collection method: curation. Allele origin: germline. Study: ENIGMA.
Comment: Variant allele predicted to encode a truncated non-functional protein.

Labcorp Genetics (formerly Invitae), Labcorp
Classification: Pathogenic for Hereditary breast ovarian cancer syndrome. Last evaluated: 2025-03-26. Review status: criteria provided, single submitter. Criteria: Invitae Variant Classification Sherloc (09022015). Collection method: clinical testing. Allele origin: germline. Not counted in ClinVar's aggregate classification.
Comment: This sequence change creates a premature translational stop signal (p.Glu83Serfs*4) in the BRCA2 gene. It is expected to result in an absent or disrupted protein product. Loss-of-function variants in BRCA2 are known to be pathogenic (PMID: 20104584). This variant is not present in population databases (gnomAD no frequency). This variant has not been reported in the literature in individuals affected with BRCA2-related conditions. ClinVar contains an entry for this variant (Variation ID: 433746). For these reasons, this variant has been classified as Pathogenic.

Ambry Genetics
Classification: Pathogenic for Hereditary cancer-predisposing syndrome. Last evaluated: 2024-11-25. Review status: criteria provided, single submitter. Criteria: Ambry Variant Classification Scheme 2023. Collection method: clinical testing. Allele origin: germline. Not counted in ClinVar's aggregate classification.
Comment: The c.246delA pathogenic mutation, located in coding exon 2 of the BRCA2 gene, results from a deletion of one nucleotide at nucleotide position 246, causing a translational frameshift with a predicted alternate stop codon (p.E83Sfs*4). This variant is considered to be rare based on population cohorts in the Genome Aggregation Database (gnomAD). This alteration is expected to result in loss of function by premature protein truncation or nonsense-mediated mRNA decay. As such, this alteration is interpreted as a disease-causing mutation.

Department of Pathology and Laboratory Medicine, Sinai Health System
Classification: Pathogenic for Malignant tumor of breast. Review status: no assertion criteria provided. Collection method: clinical testing. Allele origin: unknown. Affected: yes. Observed: 2 variant alleles. Study: The Canadian Open Genetics Repository (COGR). Not counted in ClinVar's aggregate classification.
Comment: The p.Glu83SerfsX4 variant was not identified in the literature, nor was it identified in dbSNP, NHLBI Exome Sequencing Project (Exome Variant Server), Exome Aggregation Consortium (ExAC), HGMD, LOVD, COSMIC, ClinVar, GeneInsight COGR, BIC or UMD. The p.Glu83SerfsX4 deletion variant is predicted to cause a frameshift, which alters the protein's amino acid sequence beginning at codon 83 and leads to a premature stop codon 4 codons downstream. This alteration is then predicted to result in a truncated or absent protein and loss of function. Loss of function variants of the BRCA2 gene are an established mechanism of disease in hereditary breast and ovarian cancer and is the type of variant expected to cause the disorder. In summary, based on the above information, this variant meets our laboratoryâ€šÃ„Ã´s criteria to be classified as pathogenic.

Literature cited by the submitters: PubMed 20104584 (cited by Labcorp Genetics (formerly Invitae), Labcorp).